The following is an entry in ClinVar:

NM_001354768.3(NRL):c.439C>T (p.Arg147Trp)

Gene: NRL (neural retina leucine zipper; minus strand). Cytogenetic location: 14q11.2.
Variant type: single nucleotide variant.
Coding change: c.439C>T on transcript NM_001354768.3 (MANE Select); coding-DNA position 439, C replaced by T.
Protein change: p.Arg147Trp; replaces arginine 147 with tryptophan.
Molecular consequence: missense variant.
Genome position (GRCh38, 1-based): chr14:24,081,511, G>A on the plus strand (C>T on the coding strand, the complement: NRL is on the minus strand). VCF-style: chr14-24081511-G-A. GRCh37 (hg19) VCF-style: chr14-24550720-G-A.
Other names: c.439C>T, p.Arg147Trp (NM_001354769.1, NM_006177.5); c.124C>T, p.Arg42Trp (NM_001354770.2); short protein forms R147W, R42W.
Identifiers: ClinVar variation 2142414 (VCV002142414.4), dbSNP rs748103188, ClinGen allele CA7122834.

ClinVar aggregate classification (germline): Uncertain significance (1 of 4 stars; one submission).

Allele frequency attached by ClinVar (database versions not stated): TOPMed 0.00001; gnomAD exomes 0.00002.
gnomAD v4.1: 33 of 1,602,710 alleles (0.0021%); highest among the groups gnomAD compares: Non-Finnish European, 0.0027%; no homozygotes.

Submission:

Labcorp Genetics (formerly Invitae), Labcorp
Classification: Uncertain significance. Last evaluated: 2023-09-08. Review status: criteria provided, single submitter. Criteria: Invitae Variant Classification Sherloc (09022015). Collection method: clinical testing. Allele origin: germline.
Comment: In summary, the available evidence is currently insufficient to determine the role of this variant in disease. Therefore, it has been classified as a Variant of Uncertain Significance. An algorithm developed to predict the effect of missense changes on protein structure and function (PolyPhen-2) suggests that this variant is likely to be tolerated. ClinVar contains an entry for this variant (Variation ID: 2142414). This variant has not been reported in the literature in individuals affected with NRL-related conditions. This variant is not present in population databases (gnomAD no frequency). This sequence change replaces arginine, which is basic and polar, with tryptophan, which is neutral and slightly polar, at codon 147 of the NRL protein (p.Arg147Trp).